The following is an entry in ClinVar:

ClinVar aggregate classification (germline): Uncertain significance (1 of 4 stars; one submission).

Submission:

Labcorp Genetics (formerly Invitae), Labcorp
Classification: Uncertain significance. Last evaluated: 2020-01-07. Review status: criteria provided, single submitter. Criteria: Invitae Variant Classification Sherloc (09022015). Collection method: clinical testing. Allele origin: germline.
Comment: In summary, the available evidence is currently insufficient to determine the role of this variant in disease. Therefore, it has been classified as a Variant of Uncertain Significance. Algorithms developed to predict the effect of missense changes on protein structure and function do not agree on the potential impact of this missense change (SIFT: "Deleterious"; PolyPhen-2: "Probably Damaging"; Align-GVGD: "Class C15"). This variant has not been reported in the literature in individuals with POLE-related disease. This variant is not present in population databases (ExAC no frequency). This sequence change replaces cysteine with tryptophan at codon 1443 of the POLE protein (p.Cys1443Trp). The cysteine residue is moderately conserved and there is a large physicochemical difference between cysteine and tryptophan.

NM_006231.4(POLE):c.4329T>G (p.Cys1443Trp)

Gene: POLE (DNA polymerase epsilon, catalytic subunit; minus strand). Cytogenetic location: 12q24.33.
Variant type: single nucleotide variant.
Coding change: c.4329T>G on transcript NM_006231.4 (MANE Select); coding-DNA position 4329, T replaced by G.
Protein change: p.Cys1443Trp; replaces cysteine 1443 with tryptophan.
Molecular consequence: missense variant.
Genome position (GRCh38, 1-based): chr12:132,643,522, A>C on the plus strand (T>G on the coding strand, the complement: POLE is on the minus strand). VCF-style: chr12-132643522-A-C. GRCh37 (hg19) VCF-style: chr12-133220108-A-C.
Other names: short protein forms C1443W.
Identifiers: ClinVar variation 569190 (VCV000569190.8), dbSNP rs1565939772, ClinGen allele CA387381458.